The following is an entry in ClinVar:

NM_001844.5(COL2A1):c.1024-96C>T

Gene: COL2A1 (collagen type II alpha 1 chain; minus strand). Cytogenetic location: 12q13.11.
Variant type: single nucleotide variant.
Coding change: c.1024-96C>T on transcript NM_001844.5 (MANE Select); 96 bases into the intron before coding-DNA position 1024, C replaced by T.
Molecular consequence: intron variant.
Genome position (GRCh38, 1-based): chr12:47,989,901, G>A on the plus strand (C>T on the coding strand, the complement: COL2A1 is on the minus strand). VCF-style: chr12-47989901-G-A. GRCh37 (hg19) VCF-style: chr12-48383684-G-A.
Other names: c.817-96C>T (NM_033150.3).
Identifiers: ClinVar variation 4531415 (VCV004531415.1).

ClinVar aggregate classification (germline): Uncertain significance (1 of 4 stars; one submission).

Conditions:
Stickler syndrome type 1 (STL1). Also called: ARTHROOPHTHALMOPATHY, HEREDITARY PROGRESSIVE; COL2A1-Related Stickler Syndrome; STICKLER SYNDROME, MEMBRANOUS VITREOUS TYPE; STICKLER SYNDROME, VITREOUS TYPE 1. Identifiers: Orphanet 828, Orphanet 90653, MedGen C2020284, MONDO:0007160, OMIM 108300.

Submission:

Victorian Clinical Genetics Services, Murdoch Childrens Research Institute
Classification: Uncertain significance for Stickler syndrome type 1. Last evaluated: 2025-01-20. Review status: criteria provided, single submitter. Criteria: ACMG Guidelines, 2015. Collection method: clinical testing. Allele origin: germline. Affected: yes.
Comment: This variant is classified as VUS-3A. Evidence in support of pathogenic classification: Variant is absent from gnomAD (v2, v3 and v4). Additional information: Non-coding variant without known or predicted effect; This variant is heterozygous; This gene is associated with autosomal dominant disease; This variant has no previous evidence of pathogenicity; Segregation evidence for this variant is inconclusive. No published functional evidence has been identified for this variant; No comparable intronic variants have previous evidence for pathogenicity; Dominant negative and loss of function are known mechanisms of disease in this gene and are associated with COL2A1-related disorders. Loss of function variants have been reported to cause Stickler syndrome, whereas missense variants with a dominant negative effect on protein function result in spondyloepiphyseal or spondyloepimetaphyseal dysplasia (OMIM, PMID: 35052477, 15895462); Variants in this gene are known to have variable expressivity (PMID: 20301479).

Literature cited by the submitters: PubMed 15895462; PubMed 20301479; PubMed 35052477.